The following is an entry in ClinVar:

NM_000138.5(FBN1):c.4986A>G (p.Thr1662=)

Gene: FBN1 (fibrillin 1; minus strand). Cytogenetic location: 15q21.1.
Variant type: single nucleotide variant.
Coding change: c.4986A>G on transcript NM_000138.5 (MANE Select); coding-DNA position 4986, A replaced by G.
Protein change: p.Thr1662=; no amino-acid change (threonine 1662 retained).
Molecular consequence: synonymous variant.
Genome position (GRCh38, 1-based): chr15:48,463,978, T>C on the plus strand (A>G on the coding strand, the complement: FBN1 is on the minus strand). VCF-style: chr15-48463978-T-C. GRCh37 (hg19) VCF-style: chr15-48756175-T-C.
Identifiers: ClinVar variation 519717 (VCV000519717.42), dbSNP rs753705796, ClinGen allele CA054108.
Genomic context (GRCh38, chr15:48,463,978, plus strand): 5'-ATTCACTTGCATGTAGTCTGGAGGACAGATACAGGTGTAGTTGCCAACGGTGTTGTAACA[T>C]GTCCCTGGACCACAGATTCCAGGAGTCTCACATTCATTCACATCTATAATCCAAAGAGAA-3'
Protein context (NP_000129.3, residues 1652-1672): CETPGICGPG[Thr1662=]CYNTVGNYTC

ClinVar aggregate classification (germline): Likely benign. Review status: criteria provided, multiple submitters, no conflicts (2 of 4 stars). 6 submissions from 6 submitters: Likely benign (6). Last evaluated 2025-09-25.

Conditions:
Marfan syndrome (MFS). Also called: Marfan syndrome type 1; Marfan syndrome, classic; FBN1-Related Marfan Syndrome; Marfan's syndrome; MARFAN SYNDROME, TYPE I. Identifiers: Orphanet 284963, Orphanet 558, MedGen C0024796, MONDO:0007947, OMIM 154700.
Familial thoracic aortic aneurysm and aortic dissection (TAAD). Also called: Thoracic aortic aneurysms and dissections. Identifiers: Orphanet 91387, MedGen C4707243, MONDO:0019625.

Allele frequency attached by ClinVar (database versions not stated): gnomAD exomes 0.00006; TOPMed 0.00001; ExAC 0.00005.
gnomAD v4.1: 29 of 1,613,782 alleles (0.0018%); highest among the groups gnomAD compares: Middle Eastern, 0.2%; 1 homozygote.

Submissions (6):

Labcorp Genetics (formerly Invitae), Labcorp
Classification: Likely benign for Marfan syndrome; Familial thoracic aortic aneurysm and aortic dissection. Last evaluated: 2025-09-25. Review status: criteria provided, single submitter. Criteria: Invitae Variant Classification Sherloc (09022015). Collection method: clinical testing. Allele origin: germline.

CeGaT Center for Human Genetics Tuebingen
Classification: Likely benign. Last evaluated: 2025-01-01. Review status: criteria provided, single submitter. Criteria: CeGaT Center For Human Genetics Tuebingen Variant Classification Criteria Version 2. Collection method: clinical testing. Allele origin: germline. Affected: yes. Observed: 3 variant alleles.
Comment: FBN1: BP4, BP7

Blueprint Genetics
Classification: Likely benign. Last evaluated: 2024-10-11. Review status: criteria provided, single submitter. Criteria: ACMG Guidelines, 2015. Collection method: clinical testing. Allele origin: germline.

All of Us Research Program, National Institutes of Health
Classification: Likely benign for Marfan syndrome. Last evaluated: 2023-10-23. Review status: criteria provided, single submitter. Criteria: ACMG Guidelines, 2015. Collection method: clinical testing. Allele origin: germline. Inheritance: Autosomal dominant inheritance. Observed: 1 variant allele, 1 heterozygote.
Comment: This study involves interpretation of variants in research participants for the purpose of population health screening. Participant phenotype was not available at the time of variant classification. Additional details can be found in publication PMID: 35346344, PMCID: PMC8962531

Color Diagnostics, LLC DBA Color Health
Classification: Likely benign for Familial thoracic aortic aneurysm and aortic dissection. Last evaluated: 2018-04-07. Review status: criteria provided, single submitter. Criteria: ACMG Guidelines, 2015. Collection method: clinical testing. Allele origin: germline.

Ambry Genetics
Classification: Likely benign for Familial thoracic aortic aneurysm and aortic dissection. Last evaluated: 2016-05-24. Review status: criteria provided, single submitter. Criteria: Ambry Variant Classification Scheme 2023. Collection method: clinical testing. Allele origin: germline.